The following is an entry in ClinVar:

ClinVar aggregate classification (germline): Benign/Likely benign. Review status: criteria provided, multiple submitters, no conflicts (2 of 4 stars). 2 submissions from 2 submitters: Benign (1); Likely benign (1). Last evaluated 2026-03-01.

Allele frequency attached by ClinVar (database versions not stated): ExAC 0.00033; ESP Exome Variant Server 0.00092; TOPMed 0.00092; gnomAD 0.00099 and 0.00110; 1000 Genomes Project 30x 0.00109; 1000 Genomes Project 0.00120.
gnomAD v4.1: 276 of 1,614,146 alleles (0.017%); highest among the groups gnomAD compares: African/African-American, 0.34%; 2 homozygotes.

Submissions (2):

CeGaT Center for Human Genetics Tuebingen
Classification: Likely benign. Last evaluated: 2026-03-01. Review status: criteria provided, single submitter. Criteria: CeGaT Center For Human Genetics Tuebingen Variant Classification Criteria Version 2. Collection method: clinical testing. Allele origin: germline. Affected: yes. Observed: 1 variant allele.
Comment: CYP11A1: BP4, BP7

Labcorp Genetics (formerly Invitae), Labcorp
Classification: Benign. Last evaluated: 2026-01-19. Review status: criteria provided, single submitter. Criteria: Invitae Variant Classification Sherloc (09022015). Collection method: clinical testing. Allele origin: germline.

NM_000781.3(CYP11A1):c.417C>T (p.Val139=)

Gene: CYP11A1 (cytochrome P450 family 11 subfamily A member 1; minus strand). Cytogenetic location: 15q24.1.
Variant type: single nucleotide variant.
Coding change: c.417C>T on transcript NM_000781.3 (MANE Select); coding-DNA position 417, C replaced by T.
Protein change: p.Val139=; no amino-acid change (valine 139 retained).
Molecular consequence: synonymous variant. On other transcripts: 5 prime UTR variant (1).
Genome position (GRCh38, 1-based): chr15:74,347,908, G>A on the plus strand (C>T on the coding strand, the complement: CYP11A1 is on the minus strand). VCF-style: chr15-74347908-G-A. GRCh37 (hg19) VCF-style: chr15-74640249-G-A.
Other names: c.-58C>T (NM_001099773.2).
Identifiers: ClinVar variation 720386 (VCV000720386.12), dbSNP rs141998085, ClinGen allele CA7656595.
Genomic context (GRCh38, chr15:74,347,908, plus strand): 5'-CACAGCTCCCCACCACCTCCCTCCAGTCCCTGGGAGATGGCCCAGGACTCACTTCAACAG[G>A]ACTCCTATGGGTCTCTGGTAATACTGGTGATAGGCGACCCAGGGCGGGATGAGGAATCGT-3'
Protein context (NP_000772.2, residues 129-149): YHQYYQRPIG[Val139=]LLKKSAAWKK